The following is an entry in ClinVar:

ClinVar aggregate classification (germline): Pathogenic (1 of 4 stars; one submission).

Conditions:
Familial thoracic aortic aneurysm and aortic dissection (TAAD). Also called: Thoracic aortic aneurysms and dissections. Identifiers: Orphanet 91387, MedGen C4707243, MONDO:0019625.
Marfan syndrome (MFS). Also called: Marfan syndrome type 1; Marfan's syndrome; Marfan syndrome, classic; MARFAN SYNDROME, TYPE I; FBN1-Related Marfan Syndrome. Identifiers: Orphanet 284963, Orphanet 558, MedGen C0024796, MONDO:0007947, OMIM 154700.

Submission:

Labcorp Genetics (formerly Invitae), Labcorp
Classification: Pathogenic for Marfan syndrome; Familial thoracic aortic aneurysm and aortic dissection. Last evaluated: 2020-01-11. Review status: criteria provided, single submitter. Criteria: Invitae Variant Classification Sherloc (09022015). Collection method: clinical testing. Allele origin: germline.
Comment: This sequence change creates a premature translational stop signal (p.Ser2537Leufs*145) in the FBN1 gene. It is expected to result in an absent or disrupted protein product. For these reasons, this variant has been classified as Pathogenic. Loss-of-function variants in FBN1 are known to be pathogenic (PMID: 17657824, 19293843). This variant has not been reported in the literature in individuals with FBN1-related conditions. This variant is not present in population databases (ExAC no frequency).

Literature cited by the submitters: PubMed 17657824; PubMed 19293843.

NM_000138.5(FBN1):c.7610del (p.Ser2537fs)

Gene: FBN1 (fibrillin 1; minus strand). Cytogenetic location: 15q21.1.
Variant type: Deletion.
Coding change: c.7610del on transcript NM_000138.5 (MANE Select); coding-DNA position 7610, one base deleted (C; older notation c.7610delC).
Protein change: p.Ser2537fs; shifts the reading frame from serine 2537.
Molecular consequence: frameshift variant.
Genome position (GRCh38, 1-based): chr15:48,421,647, G deleted on the plus strand (C on the coding strand, the reverse complement: FBN1 is on the minus strand). VCF-style (leftmost placement, unchanged base first): chr15-48421646-AG-A. GRCh37 (hg19) VCF-style: chr15-48713843-AG-A.
Other names: short protein forms S2537fs.
Identifiers: ClinVar variation 1071447 (VCV001071447.7), dbSNP rs2141221934, ClinGen allele CA2499222962.